The following is an entry in ClinVar:

NM_031372.4(HNRNPDL):c.98_112del (p.Arg33_Gln37del)

Gene: HNRNPDL (heterogeneous nuclear ribonucleoprotein D like; minus strand). Cytogenetic location: 4q21.22.
Variant type: Deletion.
Coding change: c.98_112del on transcript NM_031372.4 (MANE Select); coding-DNA positions 98 to 112, 15 bases deleted (GGCCGCCGCGGCAGC).
Protein change: p.Arg33_Gln37del.
Molecular consequence: inframe deletion. On other transcripts: non-coding transcript variant (1).
Genome position (GRCh38, 1-based): chr4:82,429,579-82,429,593, GCTGCCGCGGCGGCC deleted on the plus strand (GGCCGCCGCGGCAGC on the coding strand, the reverse complement: HNRNPDL is on the minus strand); deleting any 15 consecutive bases within chr4:82,429,579-82,429,595 gives the same sequence; the c. name uses the placement nearest the transcript's 3' end. VCF-style (leftmost placement, unchanged base first): chr4-82429578-AGCTGCCGCGGCGGCC-A. GRCh37 (hg19) VCF-style: chr4-83350731-AGCTGCCGCGGCGGCC-A.
Other names: p.Arg33_Gln37del; c.98_112delGGCCGCCGCGGCAGC (NM_031372.3); c.98_112del, p.Arg33_Gln37del (NM_001207000.1).
Identifiers: ClinVar variation 464395 (VCV000464395.16), dbSNP rs749981753, ClinGen allele CA2985142.
Genomic context (GRCh38, chr4:82,429,578, plus strand): 5'-TGGGCCCGGCGCGCCCCCTGCCGGGCGGAGCTGGGAGCGAGCGAAGGGAGGAGCGGGGCT[AGCTGCCGCGGCGGCC>A]GCGGCCGCCAATGGGAGAGGCTGCGGGAGGCTAAAGTAGCGGGAGCGGAGGGGAACAATG-3'

ClinVar aggregate classification (germline): Benign/Likely benign. Review status: criteria provided, multiple submitters, no conflicts (2 of 4 stars). 3 submissions from 3 submitters: Benign (1); Likely benign (1). 1 of the submissions does not count toward it. Last evaluated 2025-12-01.

Conditions:
HNRNPDL-related disorder. Also called: HNRNPDL-related condition.
Autosomal dominant limb-girdle muscular dystrophy type 1G (LGMDD3). Also called: Limb-girdle muscular dystrophy, type 1G; MUSCULAR DYSTROPHY, LIMB-GIRDLE, AUTOSOMAL DOMINANT 3. Identifiers: Orphanet 55596, MedGen C1836765, MONDO:0012193, OMIM 609115.

Submissions (3):

Labcorp Genetics (formerly Invitae), Labcorp
Classification: Benign for Autosomal dominant limb-girdle muscular dystrophy type 1G. Last evaluated: 2025-12-01. Review status: criteria provided, single submitter. Criteria: Invitae Variant Classification Sherloc (09022015). Collection method: clinical testing. Allele origin: germline.

Mayo Clinic Laboratories, Mayo Clinic
Classification: Likely benign. Last evaluated: 2025-02-26. Review status: criteria provided, single submitter. Criteria: ACMG Guidelines, 2015. Collection method: clinical testing. Allele origin: germline. Observed: 3 variant alleles.
Comment: BS2

PreventionGenetics, part of Exact Sciences
Classification: Likely benign for HNRNPDL-related condition. Last evaluated: 2023-05-22. Review status: no assertion criteria provided. Collection method: clinical testing. Allele origin: germline. Not counted in ClinVar's aggregate classification.
Comment: This variant is classified as likely benign based on ACMG/AMP sequence variant interpretation guidelines (Richards et al. 2015 PMID: 25741868, with internal and published modifications).